The following is an entry in ClinVar:

NM_003072.5(SMARCA4):c.703G>A (p.Gly235Ser)

Gene: SMARCA4 (SWI/SNF related BAF chromatin remodeling complex subunit ATPase 4; plus strand). Cytogenetic location: 19p13.2.
Variant type: single nucleotide variant.
Coding change: c.703G>A on transcript NM_003072.5 (MANE Select); coding-DNA position 703, G replaced by A.
Protein change: p.Gly235Ser; replaces glycine 235 with serine.
Molecular consequence: missense variant. On other transcripts: non-coding transcript variant (1).
Genome position (GRCh38, 1-based): chr19:10,986,536, G>A. VCF-style: chr19-10986536-G-A. GRCh37 (hg19) VCF-style: chr19-11097212-G-A.
Other names: c.703G>A, p.Gly235Ser (NM_001128844.3, NM_001128845.2, NM_001128846.2 and 5 more transcripts); short protein forms G235S.
Identifiers: ClinVar variation 480575 (VCV000480575.12), dbSNP rs1219033025, ClinGen allele CA404057081.

ClinVar aggregate classification (germline): Uncertain significance. Review status: criteria provided, multiple submitters, no conflicts (2 of 4 stars). 3 submissions from 3 submitters: Uncertain significance (3). Last evaluated 2026-01-19.

Conditions:
Rhabdoid tumor predisposition syndrome 2 (RTPS2). Identifiers: Orphanet 231108, Orphanet 69077, MedGen C2750074, MONDO:0013224, OMIM 613325.
Hereditary cancer-predisposing syndrome. Also called: Hereditary Cancer Syndrome; Neoplastic Syndromes, Hereditary; Tumor predisposition; Hereditary neoplastic syndrome. Identifiers: Orphanet 140162, MedGen C0027672, MeSH D009386, MONDO:0015356.

Allele frequency attached by ClinVar (database versions not stated): gnomAD exomes below 0.00001 and 0.00001.
gnomAD v4.1: 1 of 1,541,604 alleles (0.000065%); highest among the groups gnomAD compares: Admixed American, 0.002%; no homozygotes.

Submissions (3):

Labcorp Genetics (formerly Invitae), Labcorp
Classification: Uncertain significance for Rhabdoid tumor predisposition syndrome 2. Last evaluated: 2026-01-19. Review status: criteria provided, single submitter. Criteria: Invitae Variant Classification Sherloc (09022015). Collection method: clinical testing. Allele origin: germline.
Comment: This sequence change replaces glycine, which is neutral and non-polar, with serine, which is neutral and polar, at codon 235 of the SMARCA4 protein (p.Gly235Ser). This variant is present in population databases (no rsID available, gnomAD 0.004%). This variant has not been reported in the literature in individuals affected with SMARCA4-related conditions. ClinVar contains an entry for this variant (Variation ID: 480575). An algorithm developed to predict the effect of missense changes on protein structure and function (PolyPhen-2) suggests that this variant is likely to be tolerated. RNA analysis performed to evaluate the impact of this missense change on mRNA splicing indicates it does not significantly alter splicing (internal data). In summary, the available evidence is currently insufficient to determine the role of this variant in disease. Therefore, it has been classified as a Variant of Uncertain Significance.

GeneDx
Classification: Uncertain significance. Last evaluated: 2024-08-08. Review status: criteria provided, single submitter. Criteria: GeneDx Variant Classification Process June 2021. Collection method: clinical testing. Allele origin: germline. Affected: yes.
Comment: In silico analysis indicates that this missense variant does not alter protein structure/function; Has not been previously published as pathogenic or benign to our knowledge

Ambry Genetics
Classification: Uncertain significance for Hereditary cancer-predisposing syndrome. Last evaluated: 2024-05-16. Review status: criteria provided, single submitter. Criteria: Ambry Variant Classification Scheme 2023. Collection method: clinical testing. Allele origin: germline.
Comment: The p.G235S variant (also known as c.703G>A), located in coding exon 3 of the SMARCA4 gene, results from a G to A substitution at nucleotide position 703. The glycine at codon 235 is replaced by serine, an amino acid with similar properties. This amino acid position is highly conserved in available vertebrate species. In addition, the in silico prediction for this alteration is inconclusive. Missense and in-frame variants in SMARCA4 are known to cause neurodevelopmental disorders; however, such associations with rhabdoid tumor predisposition syndrome including small cell carcinoma of the ovary-hypercalcemic type (SCCOHT) are exceedingly rare (Kosho T et al. Am J Med Genet C Semin Med Genet. 2014 Sep;166C(3):262-75; Jelinic P et al. Nat Genet. 2014 May;46(5):424-6). Based on the supporting evidence, the association of this alteration with Coffin-Siris syndrome is unknown; however, the association of this alteration with rhabdoid tumor predisposition syndrome is unlikely.